The following is an entry in ClinVar:

NM_000143.4(FH):c.1255T>G (p.Ser419Ala)

Gene: FH (fumarate hydratase; minus strand). Cytogenetic location: 1q43.
Variant type: single nucleotide variant.
Coding change: c.1255T>G on transcript NM_000143.4 (MANE Select); coding-DNA position 1255, T replaced by G.
Protein change: p.Ser419Ala; replaces serine 419 with alanine.
Molecular consequence: missense variant.
Genome position (GRCh38, 1-based): chr1:241,500,572, A>C on the plus strand (T>G on the coding strand, the complement: FH is on the minus strand). VCF-style: chr1-241500572-A-C. GRCh37 (hg19) VCF-style: chr1-241663872-A-C.
Other names: short protein forms S419A.
Identifiers: ClinVar variation 2805452 (VCV002805452.5), dbSNP rs200004220, ClinGen allele CA345436877.

ClinVar aggregate classification (germline): Conflicting classifications of pathogenicity. Review status: criteria provided, conflicting classifications (1 of 4 stars). 2 submissions from 2 submitters: Likely pathogenic (1); Uncertain significance (1). Last evaluated 2026-04-08.

Conditions:
Hereditary cancer-predisposing syndrome. Also called: Tumor predisposition; Hereditary neoplastic syndrome; Neoplastic Syndromes, Hereditary; Hereditary Cancer Syndrome. Identifiers: Orphanet 140162, MedGen C0027672, MeSH D009386, MONDO:0015356.

Submissions (2):

Ambry Genetics
Classification: Uncertain significance for Hereditary cancer-predisposing syndrome. Last evaluated: 2026-04-08. Review status: criteria provided, single submitter. Criteria: Ambry Variant Classification Scheme 2023. Collection method: clinical testing. Allele origin: germline.
Comment: The p.S419A variant (also known as c.1255T>G), located in coding exon 9 of the FH gene, results from a T to G substitution at nucleotide position 1255. The serine at codon 419 is replaced by alanine, an amino acid with similar properties. This amino acid position is highly conserved in available vertebrate species. In addition, this alteration is predicted to be deleterious by in silico analysis. Based on the available evidence, the clinical significance of this variant remains unclear.

Labcorp Genetics (formerly Invitae), Labcorp
Classification: Likely pathogenic. Last evaluated: 2023-11-20. Review status: criteria provided, single submitter. Criteria: Invitae Variant Classification Sherloc (09022015). Collection method: clinical testing. Allele origin: germline.
Comment: This sequence change replaces serine, which is neutral and polar, with alanine, which is neutral and non-polar, at codon 419 of the FH protein (p.Ser419Ala). This variant is not present in population databases (gnomAD no frequency). This variant has not been reported in the literature in individuals affected with FH-related conditions. Advanced modeling of protein sequence and biophysical properties (such as structural, functional, and spatial information, amino acid conservation, physicochemical variation, residue mobility, and thermodynamic stability) performed at Invitae indicates that this missense variant is expected to disrupt FH protein function with a positive predictive value of 95%. This variant disrupts the p.Ser419 amino acid residue in FH. Other variant(s) that disrupt this residue have been determined to be pathogenic (PMID: 15937070, 16597677). This suggests that this residue is clinically significant, and that variants that disrupt this residue are likely to be disease-causing. In summary, the currently available evidence indicates that the variant is pathogenic, but additional data are needed to prove that conclusively. Therefore, this variant has been classified as Likely Pathogenic.

Literature cited by the submitters: PubMed 15937070 (cited by Labcorp Genetics (formerly Invitae), Labcorp); PubMed 16597677 (cited by Labcorp Genetics (formerly Invitae), Labcorp).